The following is an entry in ClinVar:

ClinVar aggregate classification (germline): not provided (0 of 4 stars; one submission).

Conditions:
C3 glomerulonephritis. Also called: C3 GLOMERULOPATHY 3; Nephropathy due to CFHR5 Deficiency. Identifiers: Orphanet 329931, MedGen C4055342, MONDO:0013892, OMIM 614809.

Submission:

John Atkinson Laboratory, Washington University School of Medicine in St. Louis
No classification provided. Condition: C3 glomerulonephritis. Review status: no classification provided. Collection method: literature only. Allele origin: germline. Affected: yes.
Comment: This complex structural variant was identified in patient 1678 (family ID 913) from PMID:34211499.

Literature cited by the submitters: PubMed 34211499.

Single allele

Genes: CFHR1 (complement factor H related 1; plus strand), CFHR3 (complement factor H related 3; plus strand), CFHR4 (complement factor H related 4; plus strand). Cytogenetic location: 1q31.3.
Variant type: Complex.
Identifiers: ClinVar variation 4526698 (VCV004526698.1).